The following is an entry in ClinVar:

NM_000169.3(GLA):c.716T>C (p.Ile239Thr)

Genes: GLA (galactosidase alpha; minus strand), RPL36A-HNRNPH2 (RPL36A-HNRNPH2 readthrough; plus strand). Cytogenetic location: Xq22.1.
Variant type: single nucleotide variant.
Coding change: c.716T>C on transcript NM_000169.3 (MANE Select); coding-DNA position 716, T replaced by C.
Protein change: p.Ile239Thr; replaces isoleucine 239 with threonine.
Molecular consequence: missense variant. On other transcripts: non-coding transcript variant (3), intron variant (2).
Genome position (GRCh38, 1-based): chrX:101,398,870, A>G on the plus strand (T>C on the coding strand, the complement: GLA is on the minus strand). VCF-style: chrX-101398870-A-G. GRCh37 (hg19) VCF-style: chrX-100653858-A-G.
Other names: c.839T>C, p.Ile280Thr (NM_001406747.1); c.716T>C, p.Ile239Thr (NM_001406748.1); c.300+3413A>G (NM_001199973.2); c.177+7048A>G (NM_001199974.2); short protein forms I239T, I280T.
Identifiers: ClinVar variation 4087480 (VCV004087480.2), dbSNP rs869312388.

ClinVar aggregate classification (germline): Likely pathogenic (1 of 4 stars; one submission).

Conditions:
Fabry disease. Also called: ALPHA-GALACTOSIDASE A DEFICIENCY; ANDERSON-FABRY DISEASE; CERAMIDE TRIHEXOSIDASE DEFICIENCY; GLA DEFICIENCY; HEREDITARY DYSTOPIC LIPIDOSIS; Angiokeratoma corporis diffusum. Identifiers: Orphanet 324, MedGen C0002986, MONDO:0010526, OMIM 301500, HP:0001071. Disease mechanism: Fabry disease is due to inactivating mutations in the X-linked GLA gene resulting in deficiency of the enzyme Alpha Galactosidase-A., loss of function.

Submission:

Genomenon, Inc
Classification: Likely pathogenic for Fabry disease. Last evaluated: 2026-09-08. Review status: criteria provided, single submitter. Criteria: Genomenon Sequence Variant Interpretation Standards - Updated. Collection method: curation. Allele origin: germline. Affected: yes.
Comment: GLA p.Ile239Thr (c.716T>C) is a missense variant that changes the amino acid at codon 239 from Isoleucine to Threonine. This variant has been observed in at least one proband with clinical features consistent with Fabry disease (PMID:15100373). Functional or patient cell studies have been reported (PMID:32023956;27657681;23826564). The presence of pathogenic/likely pathogenic missense variant(s) at the same amino acid position indicates that this residue is likely important for protein function. It is absent or not present at a significant frequency in gnomAD. In silico models predict that this variant is possibly or probably damaging. In conclusion, we classify GLA p.Ile239Thr (c.716T>C) as a likely pathogenic variant.

Literature cited by the submitters: PubMed 15100373; PubMed 32023956; PubMed 27657681; PubMed 23826564.